The following is an entry in ClinVar:

NM_018180.3(DHX32):c.1549A>G (p.Asn517Asp)

Genes: BCCIP (BRCA2 and CDKN1A interacting protein; plus strand), DHX32 (DEAH-box helicase 32 (putative); minus strand). Cytogenetic location: 10q26.2.
Variant type: single nucleotide variant.
Coding change: c.1549A>G on transcript NM_018180.3 (MANE Select); coding-DNA position 1549, A replaced by G.
Protein change: p.Asn517Asp; replaces asparagine 517 with aspartic acid.
Molecular consequence: missense variant. On other transcripts: intron variant (2).
Genome position (GRCh38, 1-based): chr10:125,840,991, T>C on the plus strand (A>G on the coding strand, the complement: DHX32 is on the minus strand). VCF-style: chr10-125840991-T-C. GRCh37 (hg19) VCF-style: chr10-127529560-T-C.
Other names: c.775-264T>C (NM_016567.4, NM_078469.3); short protein forms N517D.
Identifiers: ClinVar variation 3628165 (VCV003628165.2).

ClinVar aggregate classification (germline): Uncertain significance (1 of 4 stars; one submission).

gnomAD v4.1: 4 of 1,595,992 alleles (0.00025%); highest among the groups gnomAD compares: Admixed American, 0.0035%; no homozygotes.

Submission:

Labcorp Genetics (formerly Invitae), Labcorp
Classification: Uncertain significance. Last evaluated: 2025-07-22. Review status: criteria provided, single submitter. Criteria: Invitae Variant Classification Sherloc (09022015). Collection method: clinical testing. Allele origin: germline.
Comment: This sequence change replaces asparagine, which is neutral and polar, with aspartic acid, which is acidic and polar, at codon 517 of the DHX32 protein (p.Asn517Asp). This variant is present in population databases (rs759245344, gnomAD 0.007%). This variant has not been reported in the literature in individuals affected with DHX32-related conditions. ClinVar contains an entry for this variant (Variation ID: 3628165). An algorithm developed to predict the effect of missense changes on protein structure and function outputs the following: PolyPhen-2: "Benign". The aspartic acid amino acid residue is found in multiple mammalian species, which suggests that this missense change does not adversely affect protein function. In summary, the available evidence is currently insufficient to determine the role of this variant in disease. Therefore, it has been classified as a Variant of Uncertain Significance.